The following is an entry in ClinVar:

NM_001166108.2(PALLD):c.2120G>C (p.Arg707Thr)

Genes: CBR4 (carbonyl reductase 4; minus strand), PALLD (palladin, cytoskeletal associated protein; plus strand). Cytogenetic location: 4q32.3.
Variant type: single nucleotide variant.
Coding change: c.2120G>C on transcript NM_001166108.2 (MANE Select); coding-DNA position 2120, G replaced by C.
Protein change: p.Arg707Thr; replaces arginine 707 with threonine.
Molecular consequence: missense variant. On other transcripts: 5 prime UTR variant (4).
Genome position (GRCh38, 1-based): chr4:168,894,598, G>C. VCF-style: chr4-168894598-G-C. GRCh37 (hg19) VCF-style: chr4-169815749-G-C.
Other names: c.974G>C, p.Arg325Thr (NM_001166109.2); c.659G>C, p.Arg220Thr (NM_001166110.2); c.-2G>C (NM_001367567.1, NM_001367568.1, NM_001367569.1 and 1 more transcripts); c.2120G>C, p.Arg707Thr (NM_016081.4); short protein forms R325T, R707T, R220T.
Identifiers: ClinVar variation 2718087 (VCV002718087.3), dbSNP rs2533638003, ClinGen allele CA358797600.

ClinVar aggregate classification (germline): Uncertain significance (1 of 4 stars; one submission).

Conditions:
Pancreatic adenocarcinoma. Identifiers: MedGen C0281361, MONDO:0006047, HP:0006725.

Submission:

Labcorp Genetics (formerly Invitae), Labcorp
Classification: Uncertain significance for Pancreatic adenocarcinoma. Last evaluated: 2023-05-17. Review status: criteria provided, single submitter. Criteria: Invitae Variant Classification Sherloc (09022015). Collection method: clinical testing. Allele origin: germline.
Comment: In summary, the available evidence is currently insufficient to determine the role of this variant in disease. Therefore, it has been classified as a Variant of Uncertain Significance. An algorithm developed to predict the effect of missense changes on protein structure and function (PolyPhen-2) suggests that this variant is likely to be tolerated. This variant has not been reported in the literature in individuals affected with PALLD-related conditions. This variant is not present in population databases (gnomAD no frequency). This sequence change replaces arginine, which is basic and polar, with threonine, which is neutral and polar, at codon 220 of the PALLD protein (p.Arg220Thr).